The following is an entry in ClinVar:

ClinVar aggregate classification (germline): Uncertain significance. Review status: criteria provided, multiple submitters, no conflicts (2 of 4 stars). 6 submissions from 6 submitters: Uncertain significance (4). 2 of the submissions do not count toward it. Last evaluated 2025-03-19.

Conditions:
Immunodeficiency due to ficolin3 deficiency. Also called: FICOLIN 3 DEFICIENCY; FCN3 DEFICIENCY; LECTIN COMPLEMENT ACTIVATION PATHWAY, DEFECT IN, 3. Identifiers: Orphanet 331190, MedGen C3151226, MONDO:0013467, OMIM 613860.

Submissions (6):

Revvity Omics, Revvity
Classification: Uncertain significance for Immunodeficiency due to ficolin3 deficiency. Last evaluated: 2025-03-19. Review status: criteria provided, single submitter. Criteria: ACMG Guidelines, 2015. Collection method: clinical testing. Allele origin: germline.

Department of Pathology and Laboratory Medicine, Sinai Health System
Classification: Uncertain significance for immunodeficiency due to ficolin3 deficiency. Last evaluated: 2023-02-27. Review status: criteria provided, single submitter. Criteria: ACMG Guidelines, 2015. Collection method: research. Allele origin: germline.

Fulgent Genetics
Classification: Uncertain significance for Immunodeficiency due to ficolin3 deficiency. Last evaluated: 2022-04-19. Review status: criteria provided, single submitter. Criteria: ACMG Guidelines, 2015. Collection method: clinical testing. Allele origin: unknown.

Mendelics
Classification: Uncertain significance for Immunodeficiency due to ficolin3 deficiency. Last evaluated: 2019-05-28. Review status: criteria provided, single submitter. Criteria: Mendelics Assertion Criteria 2017. Collection method: clinical testing. Allele origin: unknown.

Reproductive Health Research and Development, BGI Genomics
Classification: Likely pathogenic for Immunodeficiency due to ficolin 3 deficiency. Last evaluated: 2020-01-06. Review status: no assertion criteria provided. Collection method: curation. Allele origin: germline. Not counted in ClinVar's aggregate classification.
Comment: NM_003665.2:c.349delC in the FCN3 gene has an allele frequency of 0.028 in South Asian subpopulation in the gnomAD database. The c.349delC variant has been identified in the homozygous state in 3 individuals with Immunodeficiency (PMID: 19535802; 20971976; 22226667). This variant is predicted to cause loss of normal protein function either through protein truncation or nonsense-mediated mRNA decay. Taken together, we interprete this variant as Pathogenic/Likely pathogenic variant. ACMG/AMP criteria applied: PVS1; PM3.

OMIM
Classification: Pathogenic for FICOLIN 3 DEFICIENCY. Last evaluated: 2009-06-18. Review status: no assertion criteria provided. Collection method: literature only. Allele origin: germline. Not counted in ClinVar's aggregate classification.

Literature cited by the submitters: PubMed 19535802 (cited by OMIM); PubMed 20971976 (cited by OMIM); PubMed 22226667 (cited by OMIM); PubMed 25662573 (cited by OMIM).

NM_003665.4(FCN3):c.349del (p.Leu117fs)

Gene: FCN3 (ficolin 3; minus strand). Cytogenetic location: 1p36.11.
Variant type: Deletion.
Coding change: c.349del on transcript NM_003665.4 (MANE Select); coding-DNA position 349, one base deleted (C; older notation c.349delC).
Protein change: p.Leu117fs; shifts the reading frame from leucine 117.
Molecular consequence: frameshift variant.
Genome position (GRCh38, 1-based): chr1:27,373,180, G deleted on the plus strand (C on the coding strand, the reverse complement: FCN3 is on the minus strand); the first of 3 consecutive G bases (chr1:27,373,180-27,373,182); deleting any one gives the same sequence. VCF-style (leftmost placement, unchanged base first): chr1-27373179-AG-A. GRCh37 (hg19) VCF-style: chr1-27699670-AG-A.
Other names: c.349del (NM_003665.3); c.349delC (NM_003665.2); c.316del, p.Leu106fs (NM_173452.3); short protein forms L106fs, L117fs.
Identifiers: ClinVar variation 5285 (VCV000005285.7), dbSNP rs532781899, ClinGen allele CA117374.
Genomic context (GRCh38, chr1:27,373,179, plus strand): 5'-ATTTCTCAGACACTCACCAGCCAGCCGCCCCCCTCGGTGTCCATGTCACAAAAGACTGGG[AG>A]GGCCCTGCCCTCAGGTAGGCACAGATGGTACCAGCCGCTCAAGGTGGCGCCCTGGCTCAA-3'